The following is an entry in ClinVar:

ClinVar aggregate classification (germline): Uncertain significance (1 of 4 stars; one submission).

Conditions:
Familial intrahepatic cholestasis. Identifiers: Orphanet 284385, MedGen CN296401, MONDO:0017290.

Submission:

Genomenon, Inc
Classification: Uncertain significance for Familial intrahepatic cholestasis. Last evaluated: 2026-04-14. Review status: criteria provided, single submitter. Criteria: Genomenon Sequence Variant Interpretation Standards - Updated. Collection method: curation. Allele origin: germline. Affected: yes.
Comment: ABCB11 p.Phe774Ser (c.2321T>C) is a missense variant that changes the amino acid at residue 774 from Phenylalanine to Serine. This variant has been observed in at least one individual with transient neonatal cholestasis (PMID:32808743). It is absent or not present at a significant frequency in gnomAD. In conclusion, we classify ABCB11 p.Phe774Ser (c.2321T>C) as a variant of uncertain significance.

Literature cited by the submitters: PubMed 32808743.

NM_003742.4(ABCB11):c.2321T>C (p.Phe774Ser)

Gene: ABCB11 (ATP binding cassette subfamily B member 11; minus strand). Cytogenetic location: 2q31.1.
Variant type: single nucleotide variant.
Coding change: c.2321T>C on transcript NM_003742.4 (MANE Select); coding-DNA position 2321, T replaced by C.
Protein change: p.Phe774Ser; replaces phenylalanine 774 with serine.
Molecular consequence: missense variant.
Genome position (GRCh38, 1-based): chr2:168,957,986, A>G on the plus strand (T>C on the coding strand, the complement: ABCB11 is on the minus strand). VCF-style: chr2-168957986-A-G. GRCh37 (hg19) VCF-style: chr2-169814496-A-G.
Other names: short protein forms F774S.
Identifiers: ClinVar variation 4846000 (VCV004846000.1).